The following is an entry in ClinVar:

ClinVar aggregate classification (somatic clinical impact): Tier I - Strong (1 of 4 stars; one submission).

Conditions:
Diffuse midline glioma, H3 K27M-mutant. Identifiers: MedGen C4289688, MONDO:0957196.

Submission:

Institute for Genomic Medicine (IGM) Clinical Laboratory, Nationwide Children's Hospital
Classification: Tier I - Strong for Diffuse midline glioma, H3 K27M-mutant. Assertion type: diagnostic. Clinical significance: supports diagnosis. Last evaluated: 2022-10-21. Review status: criteria provided, single submitter. Criteria: AMP/ASCO/CAP Guidelines, 2017. Collection method: clinical testing. Allele origin: somatic. Affected: yes.
Comment: Variant has Tier I (strong) clinical significance as a diagnostic inclusion criterion in diffuse midline glioma, H3 K27M-mutant, based on the following evidence: 1) Documented in one or more cancer databases (e.g., St. Jude Pecan, COSMIC, CIViC, OncoKB). 2) Appears in one or more well-established professional guidelines (e.g., World Health Organization [WHO]; National Comprehensive Cancer Network [NCCN]) as providing diagnostic, prognostic, or therapeutic information. 3) Information in the literature supports potential biologic effect of variant. 4) Diagnostic for a specific tumor type/classification based on well-powered studies with expert-level consensus (Evidence Level B; PMIDs: 24705251, 28966033, 22661320, 25230881, 26517431).

Literature cited by the submitters: PubMed 24705251; PubMed 28966033; PubMed 22661320; PubMed 25230881; PubMed 26517431.

NM_000489.6(ATRX):c.2341C>T (p.Arg781Ter)

Gene: ATRX (ATRX chromatin remodeler; minus strand). Cytogenetic location: Xq21.1.
Variant type: single nucleotide variant.
Coding change: c.2341C>T on transcript NM_000489.6 (MANE Select); coding-DNA position 2341, C replaced by T.
Protein change: p.Arg781Ter; replaces arginine 781 with a stop codon.
Molecular consequence: nonsense.
Genome position (GRCh38, 1-based): chrX:77,682,915, G>A on the plus strand (C>T on the coding strand, the complement: ATRX is on the minus strand). VCF-style: chrX-77682915-G-A. GRCh37 (hg19) VCF-style: chrX-76938407-G-A.
Other names: c.2227C>T, p.Arg743Ter (NM_138270.5); short protein forms R743*, R781*.
Identifiers: ClinVar variation 4530213 (VCV004530213.1).